The following is an entry in ClinVar:

NM_001330078.2(NRXN1):c.4247C>G (p.Pro1416Arg)

Gene: NRXN1 (neurexin 1; minus strand). Cytogenetic location: 2p16.3.
Variant type: single nucleotide variant.
Coding change: c.4247C>G on transcript NM_001330078.2 (MANE Select); coding-DNA position 4247, C replaced by G.
Protein change: p.Pro1416Arg; replaces proline 1416 with arginine.
Molecular consequence: missense variant.
Genome position (GRCh38, 1-based): chr2:49,922,221, G>C on the plus strand (C>G on the coding strand, the complement: NRXN1 is on the minus strand). VCF-style: chr2-49922221-G-C. GRCh37 (hg19) VCF-style: chr2-50149359-G-C.
Other names: c.4067C>G, p.Pro1356Arg (NM_001330088.2); c.1133C>G, p.Pro378Arg (NM_001330091.2); c.1142C>G, p.Pro381Arg (NM_001330092.2); c.4244C>G, p.Pro1415Arg (NM_001330093.2); c.4226C>G, p.Pro1409Arg (NM_001330094.2); c.4106C>G, p.Pro1369Arg (NM_001330095.2); c.4037C>G, p.Pro1346Arg (NM_001330096.2); c.1043C>G, p.Pro348Arg (NM_001330097.2); and 12 more; short protein forms P1456R, P1346R, P1349R, P1405R, P1408R, P1415R, P48R, P1361R.
Identifiers: ClinVar variation 580023 (VCV000580023.12), dbSNP rs199697191, ClinGen allele CA47801028.

ClinVar aggregate classification (germline): Uncertain significance. Review status: criteria provided, multiple submitters, no conflicts (2 of 4 stars). 2 submissions from 2 submitters: Uncertain significance (2). Last evaluated 2025-12-09.

Conditions:
Pitt-Hopkins-like syndrome 2 (PTHSL2). Identifiers: Orphanet 221150, Orphanet 600663, MedGen C3280479, MONDO:0013690, OMIM 614325.
Chromosome 2p16.3 deletion syndrome. Identifiers: MedGen C3808494, MONDO:0013696, OMIM 614332.

Allele frequency attached by ClinVar (database versions not stated): TOPMed 0.00002.
gnomAD v4.1: 9 of 1,614,108 alleles (0.00056%); highest among the groups gnomAD compares: Middle Eastern, 0.016%; no homozygotes.

Submissions (2):

Labcorp Genetics (formerly Invitae), Labcorp
Classification: Uncertain significance for Pitt-Hopkins-like syndrome 2. Last evaluated: 2025-12-09. Review status: criteria provided, single submitter. Criteria: Invitae Variant Classification Sherloc (09022015). Collection method: clinical testing. Allele origin: germline.
Comment: This sequence change replaces proline, which is neutral and non-polar, with arginine, which is basic and polar, at codon 1456 of the NRXN1 protein (p.Pro1456Arg). This variant is not present in population databases (gnomAD no frequency). This variant has not been reported in the literature in individuals affected with NRXN1-related conditions. ClinVar contains an entry for this variant (Variation ID: 580023). Invitae Evidence Modeling of protein sequence and biophysical properties (such as structural, functional, and spatial information, amino acid conservation, physicochemical variation, residue mobility, and thermodynamic stability) indicates that this missense variant is not expected to disrupt NRXN1 protein function with a negative predictive value of 80%. In summary, the available evidence is currently insufficient to determine the role of this variant in disease. Therefore, it has been classified as a Variant of Uncertain Significance.

Fulgent Genetics
Classification: Uncertain significance for Pitt-Hopkins-like syndrome 2; Chromosome 2p16.3 deletion syndrome. Last evaluated: 2021-07-16. Review status: criteria provided, single submitter. Criteria: ACMG Guidelines, 2015. Collection method: clinical testing. Allele origin: unknown.